The following is an entry in ClinVar:

ClinVar aggregate classification (germline): Likely benign (1 of 4 stars; one submission).

Allele frequency attached by ClinVar (database versions not stated): gnomAD exomes below 0.00001.
gnomAD v4.1: 1 of 1,614,192 alleles (0.000062%); highest among the groups gnomAD compares: Non-Finnish European, 0.000085%; no homozygotes.

Submission:

GeneDx
Classification: Likely benign. Last evaluated: 2016-05-13. Review status: criteria provided, single submitter. Criteria: GeneDx Variant Classification (06012015). Collection method: clinical testing. Allele origin: germline. Affected: yes.
Comment: This variant is considered likely benign or benign based on one or more of the following criteria: it is a conservative change, it occurs at a poorly conserved position in the protein, it is predicted to be benign by multiple in silico algorithms, and/or has population frequency not consistent with disease.

NM_004408.4(DNM1):c.552T>C (p.Ser184=)

Genes: DNM1 (dynamin 1; plus strand), LOC113839516 (Sharpr-MPRA regulatory region 8497; plus strand). Cytogenetic location: 9q34.11.
Variant type: single nucleotide variant.
Coding change: c.552T>C on transcript NM_004408.4 (MANE Select); coding-DNA position 552, T replaced by C.
Protein change: p.Ser184=; no amino-acid change (serine 184 retained).
Molecular consequence: synonymous variant.
Genome position (GRCh38, 1-based): chr9:128,219,215, T>C. VCF-style: chr9-128219215-T-C. GRCh37 (hg19) VCF-style: chr9-130981494-T-C.
Other names: c.552T>C, p.Ser184= (NM_001005336.3, NM_001288737.2, NM_001288738.2 and 1 more transcripts).
Identifiers: ClinVar variation 386001 (VCV000386001.1), dbSNP rs1057522390, ClinGen allele CA16605587.